The following is an entry in ClinVar:

ClinVar aggregate classification (germline): Likely pathogenic (0 of 4 stars; one submission).

Conditions:
Amyotrophic lateral sclerosis type 4 (ALS4). Also called: AMYOTROPHIC LATERAL SCLEROSIS 4, JUVENILE; NEURONOPATHY, DISTAL HEREDITARY MOTOR, WITH PYRAMIDAL FEATURES. Identifiers: Orphanet 357043, MedGen C1865409, MONDO:0011223, OMIM 602433.

Submission:

Solve-RD Consortium
Classification: Likely pathogenic for Amyotrophic lateral sclerosis type 4. Last evaluated: 2022-06-01. Review status: no assertion criteria provided. Collection method: provider interpretation. Allele origin: inherited. Affected: yes.
Comment: Variant confirmed as disease-causing by referring clinical team

Variant identified during reanalysis of unsolved cases by the Solve-RD project. The Solve-RD project has received funding from the European Union’s Horizon 2020 research and innovation programme under grant agreement No 779257.

Literature cited by the submitters: PubMed 39825153.

NM_015046.7(SETX):c.879del (p.Phe293fs)

Gene: SETX (senataxin; minus strand). Cytogenetic location: 9q34.13.
Variant type: Deletion.
Coding change: c.879del on transcript NM_015046.7 (MANE Select); coding-DNA position 879, one base deleted (T; older notation c.879delT).
Protein change: p.Phe293fs; shifts the reading frame from phenylalanine 293.
Molecular consequence: frameshift variant.
Genome position (GRCh38, 1-based): chr9:132,331,408, A deleted on the plus strand (T on the coding strand, the reverse complement: SETX is on the minus strand); the first of 4 consecutive A bases (chr9:132,331,408-132,331,411); deleting any one gives the same sequence. VCF-style (leftmost placement, unchanged base first): chr9-132331407-TA-T. GRCh37 (hg19) VCF-style: chr9-135206794-TA-T.
Other names: c.879del, p.Phe293fs (NM_001351527.2, NM_001351528.2); short protein forms F293fs.
Identifiers: ClinVar variation 3338081 (VCV003338081.1).